The following is an entry in ClinVar:

NM_032119.4(ADGRV1):c.4086G>A (p.Met1362Ile)

Gene: ADGRV1 (adhesion G protein-coupled receptor V1; plus strand). Cytogenetic location: 5q14.3.
Variant type: single nucleotide variant.
Coding change: c.4086G>A on transcript NM_032119.4 (MANE Select); coding-DNA position 4086, G replaced by A.
Protein change: p.Met1362Ile; replaces methionine 1362 with isoleucine.
Molecular consequence: missense variant. On other transcripts: non-coding transcript variant (1).
Genome position (GRCh38, 1-based): chr5:90,653,660, G>A. VCF-style: chr5-90653660-G-A. GRCh37 (hg19) VCF-style: chr5-89949477-G-A.
Other names: short protein forms M1362I.
Identifiers: ClinVar variation 2086996 (VCV002086996.4), dbSNP rs2532090105, ClinGen allele CA360401308.
Genomic context (GRCh38, chr5:90,653,660, plus strand): 5'-AAAATACCATCCCTCCAGGAATAATACAATTGCCAACTTTACATTCTCAGCTTGGGTAAT[G>A]CCCAATGCCAATACGAATGGATTCATTATAGCGAAGGATGACGGTAATGGAAGCATCTAC-3'
Protein context (NP_115495.3, residues 1352-1372): IANFTFSAWV[Met1362Ile]PNANTNGFII

ClinVar aggregate classification (germline): Uncertain significance (1 of 4 stars; one submission).

Allele frequency attached by ClinVar (database versions not stated): gnomAD exomes below 0.00001.

Submission:

Labcorp Genetics (formerly Invitae), Labcorp
Classification: Uncertain significance. Last evaluated: 2022-07-19. Review status: criteria provided, single submitter. Criteria: Invitae Variant Classification Sherloc (09022015). Collection method: clinical testing. Allele origin: germline.
Comment: This sequence change replaces methionine, which is neutral and non-polar, with isoleucine, which is neutral and non-polar, at codon 1362 of the ADGRV1 protein (p.Met1362Ile). This variant is not present in population databases (gnomAD no frequency). This variant has not been reported in the literature in individuals affected with ADGRV1-related conditions. Algorithms developed to predict the effect of missense changes on protein structure and function output the following: SIFT: "Tolerated"; PolyPhen-2: "Benign"; Align-GVGD: "Class C0". The isoleucine amino acid residue is found in multiple mammalian species, which suggests that this missense change does not adversely affect protein function. In summary, the available evidence is currently insufficient to determine the role of this variant in disease. Therefore, it has been classified as a Variant of Uncertain Significance.